The following is an entry in ClinVar:

NC_000016.9:g.(?_28488837)_(28494013_?)del

Gene: CLN3 (CLN3 lysosomal/endosomal transmembrane protein, battenin; minus strand). Cytogenetic location: 16p11.2.
Variant type: Deletion.
Identifiers: ClinVar variation 3243305 (VCV003243305.1).

ClinVar aggregate classification (germline): Pathogenic (1 of 4 stars; one submission).

Conditions:
Neuronal ceroid lipofuscinosis. Also called: Neuronal Ceroid Lipofuscinoses. Identifiers: Orphanet 216, Orphanet 79263, MedGen C0027877, MONDO:0016295. Disease mechanism: loss of function.

Submission:

Labcorp Genetics (formerly Invitae), Labcorp
Classification: Pathogenic for Neuronal ceroid lipofuscinosis. Last evaluated: 2023-10-13. Review status: criteria provided, single submitter. Criteria: Invitae Variant Classification Sherloc (09022015). Collection method: clinical testing. Allele origin: unknown.
Comment: This variant is a gross deletion of the genomic region encompassing exon(s) 11-16 of the CLN3 gene, which includes the termination codon. This deletion extends beyond the assayed region for this gene and therefore may encompass additional genes. While this deletion is not anticipated to lead to nonsense mediated decay, it is expected to alter mRNA translation or result in a truncated protein product. This variant has not been reported in the literature in individuals affected with CLN3-related conditions. This variant disrupts a region of the CLN3 protein in which other variant(s) (p.Gly419Glu) have been determined to be pathogenic (PMID: 26633542; Invitae). This suggests that this is a clinically significant region of the protein, and that variants that disrupt it are likely to be disease-causing. For these reasons, this variant has been classified as Pathogenic.

Literature cited by the submitters: PubMed 26633542.